The following is an entry in ClinVar:

ClinVar aggregate classification (germline): Uncertain significance. Review status: criteria provided, multiple submitters, no conflicts (2 of 4 stars). 2 submissions from 2 submitters: Uncertain significance (2). Last evaluated 2026-01-21.

Conditions:
Hypertrophic cardiomyopathy. Also called: HYPERTROPHIC MYOCARDIOPATHY. Identifiers: Orphanet 217569, MedGen C0007194, MeSH D002312, MONDO:0005045, HP:0001639.

Submissions (2):

Labcorp Genetics (formerly Invitae), Labcorp
Classification: Uncertain significance for Hypertrophic cardiomyopathy. Last evaluated: 2026-01-21. Review status: criteria provided, single submitter. Criteria: Invitae Variant Classification Sherloc (09022015). Collection method: clinical testing. Allele origin: germline.
Comment: This sequence change replaces asparagine, which is neutral and polar, with threonine, which is neutral and polar, at codon 482 of the MYH7 protein (p.Asn482Thr). This variant is not present in population databases (gnomAD no frequency). This variant has not been reported in the literature in individuals affected with MYH7-related conditions. ClinVar contains an entry for this variant (Variation ID: 1318995). Invitae Evidence Modeling of protein sequence and biophysical properties (such as structural, functional, and spatial information, amino acid conservation, physicochemical variation, residue mobility, and thermodynamic stability) indicates that this missense variant is expected to disrupt MYH7 protein function with a positive predictive value of 95%. In summary, the available evidence is currently insufficient to determine the role of this variant in disease. Therefore, it has been classified as a Variant of Uncertain Significance.

GeneDx
Classification: Uncertain significance. Last evaluated: 2019-10-14. Review status: criteria provided, single submitter. Criteria: GeneDx Variant Classification Process June 2021. Collection method: clinical testing. Allele origin: germline. Affected: yes.
Comment: Not observed in large population cohorts (Lek et al., 2016); In silico analysis, which includes protein predictors and evolutionary conservation, supports a deleterious effect; Has not been previously published as pathogenic or benign to our knowledge

NM_000257.4(MYH7):c.1445A>C (p.Asn482Thr)

Gene: MYH7 (myosin heavy chain 7; minus strand). Cytogenetic location: 14q11.2.
Variant type: single nucleotide variant.
Coding change: c.1445A>C on transcript NM_000257.4 (MANE Select); coding-DNA position 1445, A replaced by C.
Protein change: p.Asn482Thr; replaces asparagine 482 with threonine.
Molecular consequence: missense variant.
Genome position (GRCh38, 1-based): chr14:23,428,633, T>G on the plus strand (A>C on the coding strand, the complement: MYH7 is on the minus strand). VCF-style: chr14-23428633-T-G. GRCh37 (hg19) VCF-style: chr14-23897842-T-G.
Other names: short protein forms N482T.
Identifiers: ClinVar variation 1318995 (VCV001318995.3), dbSNP rs2138674271, ClinGen allele CA389050585.
Genomic context (GRCh38, chr14:23,428,633, plus strand): 5'-TTGTACTCCTCCTGCTCCAGCACAAACATGTGGTGGTTGAAGAACTGCTGCAGCTTCTCG[T>G]TGGTGAAGTTGATGCAGAGCTGCTCAAAGCTGTTGAACTGCAGGGGGCATGAGGGGTGGG-3'
Protein context (NP_000248.2, residues 472-492): SFEQLCINFT[Asn482Thr]EKLQQFFNHH